The following is an entry in ClinVar:

NM_032043.3(BRIP1):c.1878A>G (p.Glu626=)

Gene: BRIP1 (BRCA1 interacting DNA helicase 1; minus strand). Cytogenetic location: 17q23.2.
Variant type: single nucleotide variant.
Coding change: c.1878A>G on transcript NM_032043.3 (MANE Select); coding-DNA position 1878, A replaced by G.
Protein change: p.Glu626=; no amino-acid change (glutamic acid 626 retained).
Molecular consequence: synonymous variant.
Genome position (GRCh38, 1-based): chr17:61,780,318, T>C on the plus strand (A>G on the coding strand, the complement: BRIP1 is on the minus strand). VCF-style: chr17-61780318-T-C. GRCh37 (hg19) VCF-style: chr17-59857679-T-C.
Identifiers: ClinVar variation 2030513 (VCV002030513.5), dbSNP rs1567812484, ClinGen allele CA501150376.

ClinVar aggregate classification (germline): Benign/Likely benign. Review status: criteria provided, multiple submitters, no conflicts (2 of 4 stars). 2 submissions from 2 submitters: Benign (1); Likely benign (1). Last evaluated 2024-08-30.

Conditions:
Familial cancer of breast. Also called: Hereditary breast cancer; hereditary breast carcinoma; BREAST CANCER, FAMILIAL. Identifiers: Orphanet 227535, MedGen C0346153, MONDO:0016419, OMIM 114480. Disease mechanism: loss of function.
Fanconi anemia complementation group J. Also called: BRIP1-Related Fanconi Anemia. Identifiers: Orphanet 84, MedGen C1836860, MONDO:0012187, OMIM 609054.

Submissions (2):

Myriad Genetics, Inc.
Classification: Benign for Familial cancer of breast. Last evaluated: 2024-08-30. Review status: criteria provided, single submitter. Criteria: Myriad Autosomal Dominant, Autosomal Recessive and X-Linked Classification Criteria (2023). Collection method: clinical testing. Allele origin: unknown.
Comment: This variant is considered benign. This variant is a silent/synonymous amino acid change and it is not expected to impact splicing.

Labcorp Genetics (formerly Invitae), Labcorp
Classification: Likely benign for Familial cancer of breast; Fanconi anemia complementation group J. Last evaluated: 2023-11-10. Review status: criteria provided, single submitter. Criteria: Invitae Variant Classification Sherloc (09022015). Collection method: clinical testing. Allele origin: germline.